The following is an entry in ClinVar:

ClinVar aggregate classification (germline): Uncertain significance. Review status: criteria provided, multiple submitters, no conflicts (2 of 4 stars). 2 submissions from 2 submitters: Uncertain significance (2). Last evaluated 2024-11-05.

Conditions:
Renal carnitine transport defect (CDSP). Also called: Carnitine transporter deficiency; Carnitine Deficiency, Systemic; Systemic primary carnitine deficiency disease; CARNITINE DEFICIENCY, SYSTEMIC, DUE TO DEFECT IN RENAL REABSORPTION OF CARNITINE; CARNITINE TRANSPORTER, PLASMA-MEMBRANE, DEFICIENCY OF; CARNITINE UPTAKE DEFECT. Identifiers: Orphanet 158, MedGen C0342788, MONDO:0008919, OMIM 212140.

Allele frequency attached by ClinVar (database versions not stated): gnomAD 0.00002; gnomAD exomes 0.00002; TOPMed 0.00003.
gnomAD v4.1: 17 of 1,613,656 alleles (0.0011%); highest among the groups gnomAD compares: Admixed American, 0.0017%; no homozygotes.

Submissions (2):

Labcorp Genetics (formerly Invitae), Labcorp
Classification: Uncertain significance for Renal carnitine transport defect. Last evaluated: 2024-11-05. Review status: criteria provided, single submitter. Criteria: Invitae Variant Classification Sherloc (09022015). Collection method: clinical testing. Allele origin: germline.
Comment: This sequence change replaces valine, which is neutral and non-polar, with leucine, which is neutral and non-polar, at codon 420 of the SLC22A5 protein (p.Val420Leu). This variant is present in population databases (rs535222699, gnomAD 0.007%). This variant has not been reported in the literature in individuals affected with SLC22A5-related conditions. ClinVar contains an entry for this variant (Variation ID: 1384762). Invitae Evidence Modeling of protein sequence and biophysical properties (such as structural, functional, and spatial information, amino acid conservation, physicochemical variation, residue mobility, and thermodynamic stability) has been performed for this missense variant. However, the output from this modeling did not meet the statistical confidence thresholds required to predict the impact of this variant on SLC22A5 protein function. In summary, the available evidence is currently insufficient to determine the role of this variant in disease. Therefore, it has been classified as a Variant of Uncertain Significance.

Giacomini Lab, University of California, San Francisco
Classification: Uncertain significance for Renal carnitine transport defect. Last evaluated: 2022-10-03. Review status: criteria provided, single submitter. Criteria: ACMG Guidelines, 2015. Collection method: research, in vitro. Allele origin: germline, not applicable.

NM_003060.4(SLC22A5):c.1258G>C (p.Val420Leu)

Gene: SLC22A5 (solute carrier family 22 member 5; plus strand). Cytogenetic location: 5q31.1.
Variant type: single nucleotide variant.
Coding change: c.1258G>C on transcript NM_003060.4 (MANE Select); coding-DNA position 1258, G replaced by C.
Protein change: p.Val420Leu; replaces valine 420 with leucine.
Molecular consequence: missense variant.
Genome position (GRCh38, 1-based): chr5:132,390,895, G>C. VCF-style: chr5-132390895-G-C. GRCh37 (hg19) VCF-style: chr5-131726587-G-C.
Other names: p.Val420Leu; c.1330G>C, p.Val444Leu (NM_001308122.2); short protein forms V444L, V420L.
Identifiers: ClinVar variation 1384762 (VCV001384762.8), dbSNP rs535222699, ClinGen allele CA127212172.